The following is an entry in ClinVar:

NM_000545.8(HNF1A):c.1769-24T>C

Genes: C12orf43 (chromosome 12 open reading frame 43; minus strand), HNF1A (HNF1 homeobox A; plus strand). Cytogenetic location: 12q24.31.
Variant type: single nucleotide variant.
Coding change: c.1769-24T>C on transcript NM_000545.8 (MANE Select); 24 bases into the intron before coding-DNA position 1769, T replaced by C.
Molecular consequence: intron variant. On other transcripts: 3 prime UTR variant (3).
Genome position (GRCh38, 1-based): chr12:121,001,041, T>C. VCF-style: chr12-121001041-T-C. GRCh37 (hg19) VCF-style: chr12-121438844-T-C.
Other names: c.*3112A>G (NM_001286191.2, NM_001286196.2, NM_022895.3); c.1790-24T>C (NM_001306179.2); c.1577-24T>C (NM_001406915.1).
Identifiers: ClinVar variation 673537 (VCV000673537.2), dbSNP rs735396, ClinGen allele CA6832189.

ClinVar aggregate classification (germline): Benign. Review status: criteria provided, multiple submitters, no conflicts (2 of 4 stars). 2 submissions from 2 submitters: Benign (2). Last evaluated 2018-06-14.

Allele frequency attached by ClinVar (database versions not stated): ESP Exome Variant Server 0.29202; gnomAD 0.30507 and 0.31675; TOPMed 0.30903; 1000 Genomes Project 30x 0.35072; 1000 Genomes Project 0.36022; gnomAD exomes 0.36902 and 0.39152; ExAC 0.38841.
gnomAD v4.1: 587,461 of 1,611,356 alleles (36%); highest among the groups gnomAD compares: Middle Eastern, 55%; 111,479 homozygotes.

Submissions (2):

GeneDx
Classification: Benign. Last evaluated: 2018-06-14. Review status: criteria provided, single submitter. Criteria: GeneDx Variant Classification (06012015). Collection method: clinical testing. Allele origin: germline. Affected: yes.
Comment: This variant is considered likely benign or benign based on one or more of the following criteria: it is a conservative change, it occurs at a poorly conserved position in the protein, it is predicted to be benign by multiple in silico algorithms, and/or has population frequency not consistent with disease.

Breakthrough Genomics
Classification: Benign. Review status: criteria provided, single submitter. Criteria: ACMG Guidelines, 2015. Collection method: not provided. Allele origin: germline. Inheritance: Autosomal dominant inheritance. Affected: yes.